The following is an entry in ClinVar:

ClinVar aggregate classification (germline): Uncertain significance (1 of 4 stars; one submission).

Allele frequency attached by ClinVar (database versions not stated): gnomAD exomes below 0.00001.
gnomAD v4.1: 1 of 1,614,186 alleles (0.000062%); highest among the groups gnomAD compares: Non-Finnish European, 0.000085%; no homozygotes.

Submission:

Labcorp Genetics (formerly Invitae), Labcorp
Classification: Uncertain significance. Last evaluated: 2023-04-22. Review status: criteria provided, single submitter. Criteria: Invitae Variant Classification Sherloc (09022015). Collection method: clinical testing. Allele origin: germline.
Comment: In summary, the available evidence is currently insufficient to determine the role of this variant in disease. Therefore, it has been classified as a Variant of Uncertain Significance. Advanced modeling of protein sequence and biophysical properties (such as structural, functional, and spatial information, amino acid conservation, physicochemical variation, residue mobility, and thermodynamic stability) performed at Invitae indicates that this missense variant is not expected to disrupt MTOR protein function. ClinVar contains an entry for this variant (Variation ID: 2099873). This variant has not been reported in the literature in individuals affected with MTOR-related conditions. This variant is not present in population databases (gnomAD no frequency). This sequence change replaces alanine, which is neutral and non-polar, with serine, which is neutral and polar, at codon 209 of the MTOR protein (p.Ala209Ser).

NM_004958.4(MTOR):c.625G>T (p.Ala209Ser)

Gene: MTOR (mechanistic target of rapamycin kinase; minus strand). Cytogenetic location: 1p36.22.
Variant type: single nucleotide variant.
Coding change: c.625G>T on transcript NM_004958.4 (MANE Select); coding-DNA position 625, G replaced by T.
Protein change: p.Ala209Ser; replaces alanine 209 with serine.
Molecular consequence: missense variant. On other transcripts: 5 prime UTR variant (1).
Genome position (GRCh38, 1-based): chr1:11,256,072, C>A on the plus strand (G>T on the coding strand, the complement: MTOR is on the minus strand). VCF-style: chr1-11256072-C-A. GRCh37 (hg19) VCF-style: chr1-11316129-C-A.
Other names: c.625G>T, p.Ala209Ser (NM_001386500.1); c.-515G>T (NM_001386501.1); short protein forms A209S.
Identifiers: ClinVar variation 2099873 (VCV002099873.4), dbSNP rs2100974985, ClinGen allele CA338402912.